The following is an entry in ClinVar:

ClinVar aggregate classification (germline): Uncertain significance (1 of 4 stars; one submission).

Conditions:
Birt-Hogg-Dube syndrome. Also called: Birt Hogg Dubé syndrome. Identifiers: Orphanet 122, MedGen C0346010, MONDO:0800444.

Submission:

Labcorp Genetics (formerly Invitae), Labcorp
Classification: Uncertain significance for Birt-Hogg-Dube syndrome. Last evaluated: 2023-07-08. Review status: criteria provided, single submitter. Criteria: Invitae Variant Classification Sherloc (09022015). Collection method: clinical testing. Allele origin: germline.
Comment: This sequence change replaces glutamic acid, which is acidic and polar, with aspartic acid, which is acidic and polar, at codon 576 of the FLCN protein (p.Glu576Asp). This variant is not present in population databases (gnomAD no frequency). This variant has not been reported in the literature in individuals affected with FLCN-related conditions. ClinVar contains an entry for this variant (Variation ID: 1420988). An algorithm developed to predict the effect of missense changes on protein structure and function (PolyPhen-2) suggests that this variant is likely to be tolerated. In summary, the available evidence is currently insufficient to determine the role of this variant in disease. Therefore, it has been classified as a Variant of Uncertain Significance.

NM_144997.7(FLCN):c.1728G>T (p.Glu576Asp)

Gene: FLCN (folliculin; minus strand). Cytogenetic location: 17p11.2.
Variant type: single nucleotide variant.
Coding change: c.1728G>T on transcript NM_144997.7 (MANE Select); coding-DNA position 1728, G replaced by T.
Protein change: p.Glu576Asp; replaces glutamic acid 576 with aspartic acid.
Molecular consequence: missense variant.
Genome position (GRCh38, 1-based): chr17:17,213,667, C>A on the plus strand (G>T on the coding strand, the complement: FLCN is on the minus strand). VCF-style: chr17-17213667-C-A. GRCh37 (hg19) VCF-style: chr17-17116981-C-A.
Other names: c.1782G>T, p.Glu594Asp (NM_001353229.2); c.1728G>T, p.Glu576Asp (NM_001353230.2, NM_001353231.2); short protein forms E576D, E594D.
Identifiers: ClinVar variation 1420988 (VCV001420988.6), dbSNP rs2144805963, ClinGen allele CA398529769.